The following is an entry in ClinVar:

ClinVar aggregate classification (germline): Pathogenic. Review status: criteria provided, multiple submitters, no conflicts (2 of 4 stars). 2 submissions from 2 submitters: Pathogenic (2). Last evaluated 2025-04-03.

Conditions:
Neurofibromatosis, type 1 (NF1). Also called: VON RECKLINGHAUSEN DISEASE; NEUROFIBROMATOSIS, TYPE I, SOMATIC; Neurofibromatosis, type I; Peripheral type neurofibromatosis. Identifiers: Orphanet 636, MedGen C0027831, MONDO:0018975, OMIM 162200. Disease mechanism: loss of function.
Cardiovascular phenotype. Identifiers: MedGen CN230736.
Hereditary cancer-predisposing syndrome. Also called: Hereditary Cancer Syndrome; Tumor predisposition; Hereditary neoplastic syndrome; Neoplastic Syndromes, Hereditary. Identifiers: Orphanet 140162, MedGen C0027672, MeSH D009386, MONDO:0015356.

Submissions (2):

Ambry Genetics
Classification: Pathogenic for Cardiovascular phenotype; Hereditary cancer-predisposing syndrome. Last evaluated: 2025-04-03. Review status: criteria provided, single submitter. Criteria: Ambry Variant Classification Scheme 2023. Collection method: clinical testing. Allele origin: germline.
Comment: The c.7385dupC pathogenic mutation, located in coding exon 49 of the NF1 gene, results from a duplication of C at nucleotide position 7385, causing a translational frameshift with a predicted alternate stop codon (p.S2463Ffs*3). This variant was reported in individual(s) with features consistent with neurofibromatosis type 1 (Ambry internal data). This variant is considered to be rare based on population cohorts in the Genome Aggregation Database (gnomAD). This alteration is expected to result in loss of function by premature protein truncation or nonsense-mediated mRNA decay. As such, this alteration is interpreted as a disease-causing mutation.

Labcorp Genetics (formerly Invitae), Labcorp
Classification: Pathogenic for Neurofibromatosis, type 1. Last evaluated: 2024-09-08. Review status: criteria provided, single submitter. Criteria: Invitae Variant Classification Sherloc (09022015). Collection method: clinical testing. Allele origin: germline.
Comment: This sequence change creates a premature translational stop signal (p.Ser2463Phefs*3) in the NF1 gene. It is expected to result in an absent or disrupted protein product. Loss-of-function variants in NF1 are known to be pathogenic (PMID: 10712197, 23913538). This variant is not present in population databases (gnomAD no frequency). This variant has not been reported in the literature in individuals affected with NF1-related conditions. For these reasons, this variant has been classified as Pathogenic.

Literature cited by the submitters: PubMed 10712197 (cited by Labcorp Genetics (formerly Invitae), Labcorp); PubMed 23913538 (cited by Labcorp Genetics (formerly Invitae), Labcorp).

NM_001042492.3(NF1):c.7448dup (p.Ser2484fs)

Gene: NF1 (neurofibromin 1; plus strand). Cytogenetic location: 17q11.2.
Variant type: Duplication.
Coding change: c.7448dup on transcript NM_001042492.3 (MANE Select); coding-DNA position 7448, one base duplicated (C; older notation c.7448dupC).
Protein change: p.Ser2484fs; shifts the reading frame from serine 2484.
Molecular consequence: frameshift variant.
Genome position (GRCh38, 1-based): chr17:31,350,309, C duplicated; the last of 3 consecutive C bases (chr17:31,350,307-31,350,309); duplicating any one gives the same sequence. VCF-style (leftmost placement, unchanged base first): chr17-31350306-A-AC. GRCh37 (hg19) VCF-style: chr17-29677324-A-AC.
Other names: c.7385dup, p.Ser2463Phefs (NM_000267.4); c.7385dupC (NM_000267.3); short protein forms S2463fs, S2484fs.
Identifiers: ClinVar variation 3666396 (VCV003666396.3).
Genomic context (GRCh38, chr17:31,350,306, plus strand): 5'-TTCTTACTGATATTTCAATGGAAAATGTTCCTATGGATACATATCCCATTCATCATGGTG[A>AC]CCCTTCCTATAGGTAAGTGGATTTACTCTCCTATAATTACATAATCATAATCAAGTTTCA-3'